The following is an entry in ClinVar:

NM_182914.3(SYNE2):c.20215C>T (p.Arg6739Cys)

Gene: SYNE2 (spectrin repeat containing nuclear envelope protein 2; plus strand). Cytogenetic location: 14q23.2.
Variant type: single nucleotide variant.
Coding change: c.20215C>T on transcript NM_182914.3 (MANE Select); coding-DNA position 20215, C replaced by T.
Protein change: p.Arg6739Cys; replaces arginine 6739 with cysteine.
Molecular consequence: missense variant.
Genome position (GRCh38, 1-based): chr14:64,223,213, C>T. VCF-style: chr14-64223213-C-T. GRCh37 (hg19) VCF-style: chr14-64689931-C-T.
Other names: c.20146C>T, p.Arg6716Cys (NM_015180.6); c.781C>T, p.Arg261Cys (NM_182910.2); c.1159C>T, p.Arg387Cys (NM_182913.4); short protein forms R6739C, R6716C, R387C, R261C.
Identifiers: ClinVar variation 577093 (VCV000577093.12), dbSNP rs142809757, ClinGen allele CA7224790.

ClinVar aggregate classification (germline): Uncertain significance (1 of 4 stars; one submission).

Conditions:
Emery-Dreifuss muscular dystrophy 5, autosomal dominant (EDMD5). Also called: EMERY-DREIFUSS MUSCULAR DYSTROPHY 5. Identifiers: Orphanet 261, MedGen C2751805, MONDO:0013072, OMIM 612999.

Allele frequency attached by ClinVar (database versions not stated): ExAC 0.00002; gnomAD 0.00002 and 0.00003; gnomAD exomes 0.00003; TOPMed 0.00005; ESP Exome Variant Server 0.00008.
gnomAD v4.1: 48 of 1,613,862 alleles (0.003%); highest among the groups gnomAD compares: Middle Eastern, 0.016%; no homozygotes.

Submission:

Labcorp Genetics (formerly Invitae), Labcorp
Classification: Uncertain significance for Emery-Dreifuss muscular dystrophy 5, autosomal dominant. Last evaluated: 2025-06-11. Review status: criteria provided, single submitter. Criteria: Invitae Variant Classification Sherloc (09022015). Collection method: clinical testing. Allele origin: germline.
Comment: This sequence change replaces arginine, which is basic and polar, with cysteine, which is neutral and slightly polar, at codon 6739 of the SYNE2 protein (p.Arg6739Cys). This variant is present in population databases (rs142809757, gnomAD 0.006%). This variant has not been reported in the literature in individuals affected with SYNE2-related conditions. ClinVar contains an entry for this variant (Variation ID: 577093). An algorithm developed to predict the effect of missense changes on protein structure and function outputs the following: PolyPhen-2: "Benign". The cysteine amino acid residue is found in multiple mammalian species, which suggests that this missense change does not adversely affect protein function. In summary, the available evidence is currently insufficient to determine the role of this variant in disease. Therefore, it has been classified as a Variant of Uncertain Significance.